The following is an entry in ClinVar:

NM_001128205.2(SULF1):c.1816G>A (p.Val606Met)

Gene: SULF1 (sulfatase 1; plus strand). Cytogenetic location: 8q13.3.
Variant type: single nucleotide variant.
Coding change: c.1816G>A on transcript NM_001128205.2 (MANE Select); coding-DNA position 1816, G replaced by A.
Protein change: p.Val606Met; replaces valine 606 with methionine.
Molecular consequence: missense variant. On other transcripts: non-coding transcript variant (3).
Genome position (GRCh38, 1-based): chr8:69,624,163, G>A. VCF-style: chr8-69624163-G-A. GRCh37 (hg19) VCF-style: chr8-70536398-G-A.
Other names: c.1816G>A, p.Val606Met (NM_001128204.2, NM_001128206.2, NM_001412828.1 and 10 more transcripts); c.1687G>A, p.Val563Met (NM_001412832.1, NM_001412838.1, NM_001412839.1 and 1 more transcripts); c.1759G>A, p.Val587Met (NM_001412836.1, NM_001412837.1); c.1630G>A, p.Val544Met (NM_001412841.1, NM_001412842.1); c.1216G>A, p.Val406Met (NM_001412844.1, NM_001412845.1); c.25G>A, p.Val9Met (NM_001412846.1); short protein forms V406M, V544M, V563M, V606M, V587M, V9M.
Identifiers: ClinVar variation 2150247 (VCV002150247.4), dbSNP rs146445328, ClinGen allele CA4775973.

ClinVar aggregate classification (germline): Uncertain significance (1 of 4 stars; one submission).

gnomAD v4.1: 71 of 1,608,194 alleles (0.0044%); highest among the groups gnomAD compares: Admixed American, 0.037%; no homozygotes.

Submission:

Labcorp Genetics (formerly Invitae), Labcorp
Classification: Uncertain significance. Last evaluated: 2025-07-10. Review status: criteria provided, single submitter. Criteria: Invitae Variant Classification Sherloc (09022015). Collection method: clinical testing. Allele origin: germline.
Comment: This sequence change replaces valine, which is neutral and non-polar, with methionine, which is neutral and non-polar, at codon 606 of the SULF1 protein (p.Val606Met). This variant is present in population databases (rs146445328, gnomAD 0.06%), and has an allele count higher than expected for a pathogenic variant. This variant has not been reported in the literature in individuals affected with SULF1-related conditions. ClinVar contains an entry for this variant (Variation ID: 2150247). An algorithm developed to predict the effect of missense changes on protein structure and function outputs the following: PolyPhen-2: "Benign". The methionine amino acid residue is found in multiple mammalian species, which suggests that this missense change does not adversely affect protein function. In summary, the available evidence is currently insufficient to determine the role of this variant in disease. Therefore, it has been classified as a Variant of Uncertain Significance.